The following is an entry in ClinVar:

NM_138927.4(SON):c.2008T>A (p.Ser670Thr)

Gene: SON (SON DNA and RNA binding protein; plus strand). Cytogenetic location: 21q22.11.
Variant type: single nucleotide variant.
Coding change: c.2008T>A on transcript NM_138927.4 (MANE Select); coding-DNA position 2008, T replaced by A.
Protein change: p.Ser670Thr; replaces serine 670 with threonine.
Molecular consequence: missense variant. On other transcripts: non-coding transcript variant (1), intron variant (1).
Genome position (GRCh38, 1-based): chr21:33,551,239, T>A. VCF-style: chr21-33551239-T-A. GRCh37 (hg19) VCF-style: chr21-34923545-T-A.
Other names: c.2008T>A, p.Ser670Thr (NM_001291411.2, NM_001412133.1, NM_032195.3 and 2 more transcripts); c.244+4860T>A (NM_001291412.3); short protein forms S670T.
Identifiers: ClinVar variation 2784758 (VCV002784758.3), dbSNP rs1207162522, ClinGen allele CA410156688.

ClinVar aggregate classification (germline): Uncertain significance (1 of 4 stars; one submission).

Allele frequency attached by ClinVar (database versions not stated): gnomAD exomes below 0.00001; TOPMed below 0.00001; gnomAD 0.00001.
gnomAD v4.1: 3 of 1,613,944 alleles (0.00019%); highest among the groups gnomAD compares: Admixed American, 0.005%; no homozygotes.

Submission:

Labcorp Genetics (formerly Invitae), Labcorp
Classification: Uncertain significance. Last evaluated: 2023-12-15. Review status: criteria provided, single submitter. Criteria: Invitae Variant Classification Sherloc (09022015). Collection method: clinical testing. Allele origin: germline.
Comment: This sequence change replaces serine, which is neutral and polar, with threonine, which is neutral and polar, at codon 670 of the SON protein (p.Ser670Thr). This variant is present in population databases (no rsID available, gnomAD 0.003%). This variant has not been reported in the literature in individuals affected with SON-related conditions. An algorithm developed to predict the effect of missense changes on protein structure and function (PolyPhen-2) suggests that this variant is likely to be disruptive. In summary, the available evidence is currently insufficient to determine the role of this variant in disease. Therefore, it has been classified as a Variant of Uncertain Significance.